The following is an entry in ClinVar:

ClinVar aggregate classification (germline): Pathogenic. Review status: reviewed by expert panel (3 of 4 stars). 3 submissions from 3 submitters: Pathogenic (1). 2 of the submissions do not count toward it. Last evaluated 2017-12-15.

Conditions:
Hereditary cancer-predisposing syndrome. Also called: Neoplastic Syndromes, Hereditary; Tumor predisposition; Hereditary neoplastic syndrome; Hereditary Cancer Syndrome. Identifiers: Orphanet 140162, MedGen C0027672, MeSH D009386, MONDO:0015356.
Hereditary breast ovarian cancer syndrome. Also called: Hereditary breast and ovarian cancer syndrome; Hereditary breast and ovarian cancer; Hereditary breast and ovarian cancer syndrome (HBOC); Breast and ovarian cancer; Hereditary breast and/or ovarian cancer syndrome; BRCA1- and BRCA2-Associated Hereditary Breast and Ovarian Cancer. Identifiers: Orphanet 145, MedGen C0677776, MeSH D061325, MONDO:0003582. Disease mechanism: loss of function.
Breast-ovarian cancer, familial, susceptibility to, 2 (BROVCA2). Also called: BRCA2 Hereditary Breast and Ovarian Cancer. Identifiers: Orphanet 145, MedGen C2675520, MONDO:0012933, OMIM 612555. Disease mechanism: loss of function.

Submissions (3):

Evidence-based Network for the Interpretation of Germline Mutant Alleles (ENIGMA)
Classification: Pathogenic for Breast-ovarian cancer, familial, susceptibility to, 2. Last evaluated: 2017-12-15. Review status: reviewed by expert panel. Criteria: ENIGMA BRCA1/2 Classification Criteria (2017-06-29). Collection method: curation. Allele origin: germline. Study: ENIGMA.
Comment: Variant allele predicted to encode a truncated non-functional protein.

Labcorp Genetics (formerly Invitae), Labcorp
Classification: Pathogenic for Hereditary breast ovarian cancer syndrome. Last evaluated: 2022-04-04. Review status: criteria provided, single submitter. Criteria: Invitae Variant Classification Sherloc (09022015). Collection method: clinical testing. Allele origin: germline. Not counted in ClinVar's aggregate classification.
Comment: For these reasons, this variant has been classified as Pathogenic. This sequence change creates a premature translational stop signal (p.Leu2686Glnfs*11) in the BRCA2 gene. It is expected to result in an absent or disrupted protein product. Loss-of-function variants in BRCA2 are known to be pathogenic (PMID: 20104584). This variant is not present in population databases (gnomAD no frequency). This premature translational stop signal has been observed in individual(s) with breast cancer and/or ovarian cancer (PMID: 19353265). ClinVar contains an entry for this variant (Variation ID: 52484).

Ambry Genetics
Classification: Pathogenic for Hereditary cancer-predisposing syndrome. Last evaluated: 2015-02-02. Review status: criteria provided, single submitter. Criteria: Ambry Variant Classification Scheme 2023. Collection method: clinical testing. Allele origin: germline. Not counted in ClinVar's aggregate classification.
Comment: The c.8047_8054dupGCAAAAAC pathogenic mutation, located in coding exon 17 of the BRCA2 gene, results from a duplication of eight nucleotides at position 8047, causing a translational frameshift with a predicted alternate stop codon. In addition to the clinical data presented in the literature, since frameshifts are typically deleterious in nature, this alteration is interpreted as a disease-causing mutation (ACMG Recommendations for Standards for Interpretation and Reporting of Sequence Variations. Revision 2007. Genet Med. 2008;10:294).

Literature cited by the submitters: PubMed 20104584 (cited by Labcorp Genetics (formerly Invitae), Labcorp); PubMed 19353265 (cited by Labcorp Genetics (formerly Invitae), Labcorp and Ambry Genetics).

NM_000059.4(BRCA2):c.8047_8054dup (p.Leu2686fs)

Gene: BRCA2 (BRCA2 DNA repair associated; plus strand). Cytogenetic location: 13q13.1.
Variant type: Duplication.
Coding change: c.8047_8054dup on transcript NM_000059.4 (MANE Select); coding-DNA positions 8047 to 8054, 8 bases duplicated (GCAAAAAC; older notation c.8047_8054dupGCAAAAAC).
Protein change: p.Leu2686fs; shifts the reading frame from leucine 2686.
Molecular consequence: frameshift variant.
Genome position (GRCh38, 1-based): chr13:32,363,249-32,363,256, GCAAAAAC duplicated. VCF-style (leftmost placement, unchanged base first): chr13-32363248-T-TGCAAAAAC. GRCh37 (hg19) VCF-style: chr13-32937385-T-TGCAAAAAC.
Other names: c.8047_8054dupGCAAAAAC (NM_000059.3); short protein forms L2686fs.
Identifiers: ClinVar variation 52484 (VCV000052484.12), dbSNP rs397507957, ClinGen allele CA025424.